The following is an entry in ClinVar:

ClinVar aggregate classification (germline): Uncertain significance (1 of 4 stars; one submission).

gnomAD v4.1: 33 of 1,606,098 alleles (0.0021%); highest among the groups gnomAD compares: Non-Finnish European, 0.002%; no homozygotes.

Submission:

CeGaT Center for Human Genetics Tuebingen
Classification: Uncertain significance. Last evaluated: 2024-08-01. Review status: criteria provided, single submitter. Criteria: CeGaT Center For Human Genetics Tuebingen Variant Classification Criteria Version 2. Collection method: clinical testing. Allele origin: germline. Affected: yes. Observed: 1 variant allele.
Comment: RFX7: PP3

NM_022841.7(RFX7):c.458T>C (p.Ile153Thr)

Gene: RFX7 (regulatory factor X7; minus strand). Cytogenetic location: 15q21.3.
Variant type: single nucleotide variant.
Coding change: c.458T>C on transcript NM_022841.7 (MANE Select); coding-DNA position 458, T replaced by C.
Protein change: p.Ile153Thr; replaces isoleucine 153 with threonine.
Molecular consequence: missense variant.
Genome position (GRCh38, 1-based): chr15:56,103,614, A>G on the plus strand (T>C on the coding strand, the complement: RFX7 is on the minus strand). VCF-style: chr15-56103614-A-G. GRCh37 (hg19) VCF-style: chr15-56395812-A-G.
Other names: c.167T>C, p.Ile56Thr (NM_001368073.2, NM_001368074.1, NM_001370554.1); c.458T>C, p.Ile153Thr (NM_001370561.1); short protein forms I153T, I56T.
Identifiers: ClinVar variation 3341859 (VCV003341859.16).